The following is an entry in ClinVar:

ClinVar aggregate classification (germline): Likely benign. Review status: criteria provided, multiple submitters, no conflicts (2 of 4 stars). 5 submissions from 5 submitters: Likely benign (5). Last evaluated 2025-12-27.

Conditions:
Inborn genetic diseases. Identifiers: MedGen C0950123, MeSH D030342.
PRDM12-related disorder. Also called: PRDM12-related condition.
Congenital insensitivity to pain-hypohidrosis syndrome. Also called: HSAN VIII; Neuropathy, hereditary sensory and autonomic, type VIII. Identifiers: Orphanet 478664, MedGen C4225308, MONDO:0014662, OMIM 616488.

Submissions (5):

Labcorp Genetics (formerly Invitae), Labcorp
Classification: Likely benign for Congenital insensitivity to pain-hypohidrosis syndrome. Last evaluated: 2025-12-27. Review status: criteria provided, single submitter. Criteria: Invitae Variant Classification Sherloc (09022015). Collection method: clinical testing. Allele origin: germline.

PreventionGenetics, part of Exact Sciences
Classification: Likely benign for PRDM12-related condition. Last evaluated: 2025-04-03. Review status: criteria provided, single submitter. Criteria: ACMG Guidelines, 2015. Collection method: clinical testing. Allele origin: germline.
Comment: This variant is classified as likely benign based on ACMG/AMP sequence variant interpretation guidelines (Richards et al. 2015 PMID: 25741868, with internal and published modifications).

CeGaT Center for Human Genetics Tuebingen
Classification: Likely benign. Last evaluated: 2025-01-01. Review status: criteria provided, single submitter. Criteria: CeGaT Center For Human Genetics Tuebingen Variant Classification Criteria Version 2. Collection method: clinical testing. Allele origin: germline. Affected: yes. Observed: 2 variant alleles.
Comment: PRDM12: BP3

Blueprint Genetics
Classification: Likely benign. Last evaluated: 2024-10-17. Review status: criteria provided, single submitter. Criteria: ACMG Guidelines, 2015. Collection method: clinical testing. Allele origin: germline.

Ambry Genetics
Classification: Likely benign for Inborn genetic diseases. Last evaluated: 2023-03-24. Review status: criteria provided, single submitter. Criteria: Ambry Variant Classification Scheme 2023. Collection method: clinical testing. Allele origin: germline.

NM_021619.3(PRDM12):c.1041CGC[8] (p.Ala356_Ala359del)

Gene: PRDM12 (PR/SET domain 12; plus strand). Cytogenetic location: 9q34.12.
Variant type: Microsatellite.
Coding change: c.1041CGC[8] on transcript NM_021619.3 (MANE Select); eight copies in a row of the 3-base unit CGC starting at c.1041; the reference has 12 copies in a row; four copies, 12 bases deleted; also written c.1065_1076del.
Protein change: p.Ala356_Ala359del.
Molecular consequence: inframe deletion.
Genome position (GRCh38, 1-based): chr9:130,681,630-130,681,641, CGCCGCCGCCGC deleted; deleting any 12 consecutive bases within chr9:130,681,606-130,681,641 gives the same sequence; the position shown is the placement nearest the transcript's 3' end. VCF-style (leftmost placement, unchanged base first): chr9-130681605-TCGCCGCCGCCGC-T. GRCh37 (hg19) VCF-style: chr9-133556992-TCGCCGCCGCCGC-T.
Other names: c.1065_1076del12 (NM_021619.2); c.1065_1076del (NM_021619.2).
Identifiers: ClinVar variation 542462 (VCV000542462.28), dbSNP rs752427775, ClinGen allele CA467495892.
Genomic context (GRCh38, chr9:130,681,605, plus strand): 5'-GCACCGCGCTGCAGGCACACTCGCCCGCGCTGCCCGCCCCGCACGCGCACGCGCCCGCGC[TCGCCGCCGCCGC>T]CGCCGCCGCCGCCGCCGCCGCCGCGCACCACCTGCCGGCCATGGTGCTGTGAGCGCGCCC-3'